The following is an entry in ClinVar:

ClinVar aggregate classification (germline): Uncertain significance. Review status: criteria provided, multiple submitters, no conflicts (2 of 4 stars). 2 submissions from 2 submitters: Uncertain significance (2). Last evaluated 2026-02-11.

gnomAD v4.1: 43 of 1,612,524 alleles (0.0027%); highest among the groups gnomAD compares: African/African-American, 0.043%; no homozygotes.

Submissions (2):

Women's Health and Genetics/Laboratory Corporation of America, LabCorp
Classification: Uncertain significance. Last evaluated: 2026-02-11. Review status: criteria provided, single submitter. Criteria: LabCorp Variant Classification Summary - May 2015. Collection method: clinical testing. Allele origin: germline.
Comment: Variant summary: ITPKB c.1072C>T (p.Pro358Ser) results in a non-conservative amino acid change in the encoded protein sequence. Algorithms developed to predict the effect of missense changes on protein structure and function are either unavailable or do not agree on the potential impact of this missense change. The variant allele was found at a frequency of 3.6e-05 in 248428 control chromosomes. The available data on variant occurrences in the general population are insufficient to allow any conclusion about variant significance. To our knowledge, no occurrence of c.1072C>T in individuals affected with ITPKB-related conditions and no experimental evidence demonstrating its impact on protein function have been reported. ClinVar contains an entry for this variant (Variation ID: 4088733). Based on the evidence outlined above, the variant was classified as uncertain significance.

Ambry Genetics
Classification: Uncertain significance. Last evaluated: 2025-06-24. Review status: criteria provided, single submitter. Criteria: Ambry Variant Classification Scheme 2023. Collection method: clinical testing. Allele origin: germline.

NM_002221.4(ITPKB):c.1072C>T (p.Pro358Ser)

Gene: ITPKB (inositol-trisphosphate 3-kinase B; minus strand). Cytogenetic location: 1q42.12.
Variant type: single nucleotide variant.
Coding change: c.1072C>T on transcript NM_002221.4 (MANE Select); coding-DNA position 1072, C replaced by T.
Protein change: p.Pro358Ser; replaces proline 358 with serine.
Molecular consequence: missense variant.
Genome position (GRCh38, 1-based): chr1:226,736,387, G>A on the plus strand (C>T on the coding strand, the complement: ITPKB is on the minus strand). VCF-style: chr1-226736387-G-A. GRCh37 (hg19) VCF-style: chr1-226924088-G-A.
Other names: c.1072C>T, p.Pro358Ser (NM_001388404.1); short protein forms P358S.
Identifiers: ClinVar variation 4088733 (VCV004088733.2).